The following is an entry in ClinVar:

ClinVar aggregate classification (germline): Uncertain significance. Review status: criteria provided, multiple submitters, no conflicts (2 of 4 stars). 4 submissions from 4 submitters: Uncertain significance (4). Last evaluated 2025-06-29.

Conditions:
Inborn genetic diseases. Identifiers: MedGen C0950123, MeSH D030342.

Allele frequency attached by ClinVar (database versions not stated): gnomAD exomes 0.00003 and 0.00005; ExAC 0.00004; ESP Exome Variant Server 0.00008; gnomAD 0.00008; TOPMed 0.00008.
gnomAD v4.1: 76 of 1,613,342 alleles (0.0047%); highest among the groups gnomAD compares: Non-Finnish European, 0.0064%; no homozygotes.

Submissions (4):

Ambry Genetics
Classification: Uncertain significance for Inborn genetic diseases. Last evaluated: 2025-06-29. Review status: criteria provided, single submitter. Criteria: Ambry Variant Classification Scheme 2023. Collection method: clinical testing. Allele origin: germline.

Labcorp Genetics (formerly Invitae), Labcorp
Classification: Uncertain significance. Last evaluated: 2022-08-12. Review status: criteria provided, single submitter. Criteria: Invitae Variant Classification Sherloc (09022015). Collection method: clinical testing. Allele origin: germline.
Comment: This sequence change replaces glycine, which is neutral and non-polar, with aspartic acid, which is acidic and polar, at codon 1184 of the HSPG2 protein (p.Gly1184Asp). This variant is present in population databases (rs138804377, gnomAD 0.008%). This variant has not been reported in the literature in individuals affected with HSPG2-related conditions. ClinVar contains an entry for this variant (Variation ID: 804898). Algorithms developed to predict the effect of missense changes on protein structure and function are either unavailable or do not agree on the potential impact of this missense change (SIFT: "Tolerated"; PolyPhen-2: "Possibly Damaging"; Align-GVGD: "Class C0"). In summary, the available evidence is currently insufficient to determine the role of this variant in disease. Therefore, it has been classified as a Variant of Uncertain Significance.

Revvity Omics, Revvity
Classification: Uncertain significance. Last evaluated: 2019-03-13. Review status: criteria provided, single submitter. Criteria: ACMG Guidelines, 2015. Collection method: clinical testing. Allele origin: germline.

Athena Diagnostics
Classification: Uncertain significance. Last evaluated: 2019-02-22. Review status: criteria provided, single submitter. Criteria: Athena Diagnostics Criteria. Collection method: clinical testing. Allele origin: germline.

NM_005529.7(HSPG2):c.3551G>A (p.Gly1184Asp)

Gene: HSPG2 (heparan sulfate proteoglycan 2; minus strand). Cytogenetic location: 1p36.12.
Variant type: single nucleotide variant.
Coding change: c.3551G>A on transcript NM_005529.7 (MANE Select); coding-DNA position 3551, G replaced by A.
Protein change: p.Gly1184Asp; replaces glycine 1184 with aspartic acid.
Molecular consequence: missense variant.
Genome position (GRCh38, 1-based): chr1:21,874,511, C>T on the plus strand (G>A on the coding strand, the complement: HSPG2 is on the minus strand). VCF-style: chr1-21874511-C-T. GRCh37 (hg19) VCF-style: chr1-22201004-C-T.
Other names: c.3551G>A (NM_005529.5); c.3554G>A, p.Gly1185Asp (NM_001291860.2); short protein forms G1184D, G1185D.
Identifiers: ClinVar variation 804898 (VCV000804898.7), dbSNP rs138804377, ClinGen allele CA672606.